The following is an entry in ClinVar:

ClinVar aggregate classification (germline): Uncertain significance (1 of 4 stars; one submission).

Conditions:
Congenital myasthenic syndrome 9. Also called: Myasthenic syndrome, congenital, 9, associated with acetylcholine receptor deficiency. Identifiers: Orphanet 590, MedGen C4225368, MONDO:0014587, OMIM 616325.
Fetal akinesia deformation sequence 1 (FADS1). Also called: Fetal akinesia sequence; Pena-Shokeir syndrome type I. Identifiers: Orphanet 994, MedGen C1276035, MONDO:0100101, OMIM 208150, HP:0001989.

Submission:

Labcorp Genetics (formerly Invitae), Labcorp
Classification: Uncertain significance for Congenital myasthenic syndrome 9; Fetal akinesia deformation sequence 1. Last evaluated: 2021-11-18. Review status: criteria provided, single submitter. Criteria: Invitae Variant Classification Sherloc (09022015). Collection method: clinical testing. Allele origin: germline.
Comment: In summary, the available evidence is currently insufficient to determine the role of this variant in disease. Therefore, it has been classified as a Variant of Uncertain Significance. This variant has not been reported in the literature in individuals affected with MUSK-related conditions. This variant is present in population databases (no rsID available, gnomAD 0.0009%). This variant, c.760_762dup, results in the insertion of 1 amino acid(s) of the MUSK protein (p.Ser254dup), but otherwise preserves the integrity of the reading frame.

NM_005592.4(MUSK):c.757TCT[3] (p.Ser254dup)

Gene: MUSK (muscle associated receptor tyrosine kinase; plus strand). Cytogenetic location: 9q31.3.
Variant type: Microsatellite.
Coding change: c.757TCT[3] on transcript NM_005592.4 (MANE Select); three copies in a row of the 3-base unit TCT starting at c.757; the reference has two copies in a row; one copy, 3 bases duplicated.
Protein change: p.Ser254dup; duplicates serine 254.
Molecular consequence: inframe insertion. On other transcripts: 5 prime UTR variant (1).
Genome position (GRCh38, 1-based): chr9:110,747,647-110,747,649, TCT duplicated; duplicating any 3 consecutive bases within chr9:110,747,643-110,747,649 gives the same sequence; the position shown is the placement nearest the transcript's 3' end. VCF-style (leftmost placement, unchanged base first): chr9-110747642-T-TTTC. GRCh37 (hg19) VCF-style: chr9-113509922-T-TTTC.
Other names: c.787TCT[3], p.Ser264dup (NM_001166280.2); c.757TCT[3], p.Ser254dup (NM_001166281.2); c.-480TCT[3] (NM_001369398.1).
Identifiers: ClinVar variation 1440744 (VCV001440744.6), dbSNP rs1287375718, ClinGen allele CA590045087.